The following is an entry in ClinVar:

ClinVar aggregate classification (germline): Pathogenic. Review status: criteria provided, multiple submitters, no conflicts (2 of 4 stars). 3 submissions from 3 submitters: Pathogenic (3). Last evaluated 2025-01-29.

Conditions:
Long chain 3-hydroxyacyl-CoA dehydrogenase deficiency. Also called: Deficiency of long-chain 3-hydroxyacyl-coenzyme A dehydrogenase; LCHAD Deficiency. Identifiers: Orphanet 5, MedGen C3711645, MONDO:0012173, OMIM 609016.
Mitochondrial trifunctional protein deficiency. Identifiers: Orphanet 746, MedGen C1969443, MONDO:0012172.

Submissions (3):

Women's Health and Genetics/Laboratory Corporation of America, LabCorp
Classification: Pathogenic for Long chain 3-hydroxyacyl-CoA dehydrogenase deficiency. Last evaluated: 2025-01-29. Review status: criteria provided, single submitter. Criteria: LabCorp Variant Classification Summary - May 2015. Collection method: clinical testing. Allele origin: germline.
Comment: Variant summary: HADHA c.1152delG (p.Leu385X) results in a premature termination codon, predicted to cause absence of the protein due to nonsense mediated decay, which is a commonly known mechanism for disease. The variant was absent in 251468 control chromosomes. To our knowledge, no occurrence of c.1152delG in individuals affected with Long Chain 3-Hydroxyacyl-CoA Dehydrogenase Deficiency and no experimental evidence demonstrating its impact on protein function have been reported. No submitters have cited clinical-significance assessments for this variant to ClinVar. Based on the evidence outlined above, the variant was classified as pathogenic.

GeneDx
Classification: Pathogenic. Last evaluated: 2024-12-30. Review status: criteria provided, single submitter. Criteria: GeneDx Variant Classification Process June 2021. Collection method: clinical testing. Allele origin: germline. Affected: yes.
Comment: Has not been previously published as pathogenic or benign to our knowledge; Nonsense variant predicted to result in protein truncation or nonsense mediated decay in a gene for which loss of function is a known mechanism of disease; Not observed at significant frequency in large population cohorts (gnomAD)

Labcorp Genetics (formerly Invitae), Labcorp
Classification: Pathogenic for Mitochondrial trifunctional protein deficiency; Long chain 3-hydroxyacyl-CoA dehydrogenase deficiency. Last evaluated: 2024-03-28. Review status: criteria provided, single submitter. Criteria: Invitae Variant Classification Sherloc (09022015). Collection method: clinical testing. Allele origin: germline.
Comment: This sequence change creates a premature translational stop signal (p.Leu385*) in the HADHA gene. It is expected to result in an absent or disrupted protein product. Loss-of-function variants in HADHA are known to be pathogenic (PMID: 7738175, 21103935, 21549624, 22459206). This variant is not present in population databases (gnomAD no frequency). This variant has not been reported in the literature in individuals affected with HADHA-related conditions. For these reasons, this variant has been classified as Pathogenic.

Literature cited by the submitters: PubMed 7738175 (cited by Labcorp Genetics (formerly Invitae), Labcorp); PubMed 21103935 (cited by Labcorp Genetics (formerly Invitae), Labcorp); PubMed 21549624 (cited by Labcorp Genetics (formerly Invitae), Labcorp); PubMed 22459206 (cited by Labcorp Genetics (formerly Invitae), Labcorp).

NM_000182.5(HADHA):c.1152del (p.Gly384_Leu385insTer)

Genes: HADHA (hydroxyacyl-CoA dehydrogenase trifunctional multienzyme complex subunit alpha; minus strand), GAREM2 (GRB2 associated regulator of MAPK1 subtype 2; plus strand). Cytogenetic location: 2p23.3.
Variant type: Deletion.
Coding change: c.1152del on transcript NM_000182.5 (MANE Select); coding-DNA position 1152, one base deleted (G; older notation c.1152delG).
Protein change: p.Gly384_Leu385insTer.
Molecular consequence: frameshift variant.
Genome position (GRCh38, 1-based): chr2:26,204,130, C deleted on the plus strand (G on the coding strand, the reverse complement: HADHA is on the minus strand); the first of 4 consecutive C bases (chr2:26,204,130-26,204,133); deleting any one gives the same sequence. VCF-style (leftmost placement, unchanged base first): chr2-26204129-GC-G. GRCh37 (hg19) VCF-style: chr2-26426998-GC-G.
Other names: c.1152del (NM_000182.4); c.1152delG (NM_000182.5).
Identifiers: ClinVar variation 3751318 (VCV003751318.5).